The following is an entry in ClinVar:

NM_000051.4(ATM):c.6976-1G>A

Genes: ATM (ATM serine/threonine kinase; plus strand), C11orf65 (chromosome 11 open reading frame 65; minus strand). Cytogenetic location: 11q22.3.
Variant type: single nucleotide variant.
Coding change: c.6976-1G>A on transcript NM_000051.4 (MANE Select); the canonical splice acceptor site of the intron before coding-DNA position 6976, G replaced by A.
Molecular consequence: splice acceptor variant. On other transcripts: intron variant (2).
Genome position (GRCh38, 1-based): chr11:108,327,644, G>A. VCF-style: chr11-108327644-G-A. GRCh37 (hg19) VCF-style: chr11-108198371-G-A.
Other names: c.6976-1G>A (NM_001351834.2); c.641-18573C>T (NM_001330368.2); c.*38+7576C>T (NM_001351110.2).
Identifiers: ClinVar variation 640274 (VCV000640274.7), dbSNP rs1591141963, ClinGen allele CA382557698.

ClinVar aggregate classification (germline): Pathogenic (1 of 4 stars; one submission).

Conditions:
Ataxia-telangiectasia syndrome (AT). Also called: Ataxia-telangiectasia, complementation group D; AT, COMPLEMENTATION GROUP C; ATAXIA-TELANGIECTASIA, COMPLEMENTATION GROUP A; ATAXIA-TELANGIECTASIA, FRESNO VARIANT; Ataxia-telangiectasia; LOUIS-BAR SYNDROME. Identifiers: Orphanet 100, MedGen C0004135, MONDO:0008840, OMIM 208900.

Submission:

Labcorp Genetics (formerly Invitae), Labcorp
Classification: Pathogenic for Ataxia-telangiectasia syndrome. Last evaluated: 2024-03-27. Review status: criteria provided, single submitter. Criteria: Invitae Variant Classification Sherloc (09022015). Collection method: clinical testing. Allele origin: germline.
Comment: This sequence change affects an acceptor splice site in intron 47 of the ATM gene. RNA analysis indicates that disruption of this splice site induces altered splicing and likely results in a shortened protein product. This variant is not present in population databases (gnomAD no frequency). This variant has not been reported in the literature in individuals affected with ATM-related conditions. ClinVar contains an entry for this variant (Variation ID: 640274). Studies have shown that disruption of this splice site results in skipping of exon 48, but is expected to preserve the integrity of the reading-frame (PMID: 31843900). For these reasons, this variant has been classified as Pathogenic.

Literature cited by the submitters: PubMed 31843900.